The following is an entry in ClinVar:

ClinVar aggregate classification (germline): Conflicting classifications of pathogenicity. Review status: criteria provided, conflicting classifications (1 of 4 stars). 4 submissions from 4 submitters: Uncertain significance (3); Likely benign (1). Last evaluated 2024-09-23.

Conditions:
Familial thoracic aortic aneurysm and aortic dissection (TAAD). Also called: Thoracic aortic aneurysms and dissections. Identifiers: Orphanet 91387, MedGen C4707243, MONDO:0019625.
Marfan syndrome (MFS). Also called: MARFAN SYNDROME, TYPE I; FBN1-Related Marfan Syndrome; Marfan syndrome, classic; Marfan syndrome type 1; Marfan's syndrome. Identifiers: Orphanet 284963, Orphanet 558, MedGen C0024796, MONDO:0007947, OMIM 154700.

Allele frequency attached by ClinVar (database versions not stated): gnomAD 0.00001; gnomAD exomes below 0.00001; TOPMed below 0.00001.
gnomAD v4.1: 2 of 1,614,080 alleles (0.00012%); highest among the groups gnomAD compares: East Asian, 0.0045%; no homozygotes.

Submissions (4):

Color Diagnostics, LLC DBA Color Health
Classification: Likely benign for Familial thoracic aortic aneurysm and aortic dissection. Last evaluated: 2024-09-23. Review status: criteria provided, single submitter. Criteria: ACMG Guidelines, 2015. Collection method: clinical testing. Allele origin: germline.

All of Us Research Program, National Institutes of Health
Classification: Uncertain significance for Marfan syndrome. Last evaluated: 2023-08-15. Review status: criteria provided, single submitter. Criteria: ACMG Guidelines, 2015. Collection method: clinical testing. Allele origin: germline. Inheritance: Autosomal dominant inheritance. Observed: 2 variant alleles, 2 heterozygotes.
Comment: This missense variant replaces histidine with leucine at codon 50 of the FBN1 protein. Computational prediction suggests that this variant may not impact protein structure and function (internally defined REVEL score threshold <= 0.5, PMID: 27666373). To our knowledge, functional studies have not been reported for this variant. This variant has not been reported in individuals affected with cardiovascular disorders in the literature. This variant has not been identified in the general population by the Genome Aggregation Database (gnomAD). The available evidence is insufficient to determine the role of this variant in disease conclusively. Therefore, this variant is classified as a Variant of Uncertain Significance.

This study involves interpretation of variants in research participants for the purpose of population health screening. Participant phenotype was not available at the time of variant classification. Additional details can be found in publication PMID: 35346344, PMCID: PMC8962531

Women's Health and Genetics/Laboratory Corporation of America, LabCorp
Classification: Uncertain significance. Last evaluated: 2017-07-20. Review status: criteria provided, single submitter. Criteria: LabCorp Variant Classification Summary - May 2015. Collection method: clinical testing. Allele origin: germline.
Comment: Variant summary: The FBN1 c.149A>T (p.His50Leu) variant involves the alteration of a non-conserved nucleotide. 3/4 in silico tools predict a benign outcome for this variant (SNPsandGO not captured due to low reliability index). This variant is absent in 121408 control chromosomes. In addition, one other clinical diagnostic laboratory classified this variant as uncertain significance. The variant of interest has not, to our knowledge, been reported in affected individuals via publications nor evaluated for functional impact by in vivo/vitro studies. Because of the absence of clinical information and the lack of functional studies, the variant is classified as a variant of uncertain significance (VUS) until additional information becomes available.

Ambry Genetics
Classification: Uncertain significance for Familial thoracic aortic aneurysm and aortic dissection. Last evaluated: 2015-09-14. Review status: criteria provided, single submitter. Criteria: Ambry Variant Classification Scheme 2023. Collection method: clinical testing. Allele origin: germline.
Comment: The p.H50L variant (also known as c.149A>T), located in coding exon 1 of the FBN1 gene, results from an A to T substitution at nucleotide position 149. The histidine at codon 50 is replaced by leucine, an amino acid with similar properties. This variant was not reported in population based cohorts in the following databases: Database of Single Nucleotide Polymorphisms (dbSNP), NHLBI Exome Sequencing Project (ESP), and 1000 Genomes Project. In the ESP, this variant was not observed in 6493 samples (12986 alleles) with coverage at this position. This amino acid position is well conserved in available vertebrate species. In addition, the in silico prediction for this alteration is inconclusive. Since supporting evidence is limited at this time, the clinical significance of this variant remains unclear.

NM_000138.5(FBN1):c.149A>T (p.His50Leu)

Gene: FBN1 (fibrillin 1; minus strand). Cytogenetic location: 15q21.1.
Variant type: single nucleotide variant.
Coding change: c.149A>T on transcript NM_000138.5 (MANE Select); coding-DNA position 149, A replaced by T.
Protein change: p.His50Leu; replaces histidine 50 with leucine.
Molecular consequence: missense variant.
Genome position (GRCh38, 1-based): chr15:48,644,621, T>A on the plus strand (A>T on the coding strand, the complement: FBN1 is on the minus strand). VCF-style: chr15-48644621-T-A. GRCh37 (hg19) VCF-style: chr15-48936818-T-A.
Other names: short protein forms H50L.
Identifiers: ClinVar variation 264355 (VCV000264355.18), dbSNP rs886039132, ClinGen allele CA10587864.